The following is an entry in ClinVar:

NM_000284.4(PDHA1):c.458T>C (p.Met153Thr)

Gene: PDHA1 (pyruvate dehydrogenase E1 subunit alpha 1; plus strand). Cytogenetic location: Xp22.12.
Variant type: single nucleotide variant.
Coding change: c.458T>C on transcript NM_000284.4 (MANE Select); coding-DNA position 458, T replaced by C.
Protein change: p.Met153Thr; replaces methionine 153 with threonine.
Molecular consequence: missense variant.
Genome position (GRCh38, 1-based): chrX:19,353,121, T>C. VCF-style: chrX-19353121-T-C. GRCh37 (hg19) VCF-style: chrX-19371239-T-C.
Other names: c.572T>C, p.Met191Thr (NM_001173454.2); c.479T>C, p.Met160Thr (NM_001173455.2); c.458T>C, p.Met153Thr (NM_001173456.2); short protein forms M153T, M160T, M191T.
Identifiers: ClinVar variation 4856099 (VCV004856099.1).

ClinVar aggregate classification (germline): Uncertain significance (1 of 4 stars; one submission).

Conditions:
Pyruvate dehydrogenase E1-alpha deficiency (PDHAD). Also called: ATAXIA, INTERMITTENT, WITH PYRUVATE DEHYDROGENASE DEFICIENCY; ATAXIA WITH LACTIC ACIDOSIS I; ATAXIA, INTERMITTENT, WITH ABNORMAL PYRUVATE METABOLISM; Ataxia, intermittent, with pyruvate dehydrogenase, or decarboxylase, deficiency. Identifiers: Orphanet 79243, MedGen C1839413, MONDO:0010717, OMIM 312170.

Submission:

3billion
Classification: Uncertain significance for Pyruvate dehydrogenase E1-alpha deficiency. Last evaluated: 2025-06-24. Review status: criteria provided, single submitter. Criteria: ACMG Guidelines, 2015. Collection method: clinical testing. Allele origin: germline. Affected: yes.
Comment: The variant is not observed in the gnomAD v4.1.0 dataset. Predicted Consequence/Location: Missense variant In silico tool predictions suggest damaging effect of the variant on gene or gene product [REVEL: 0.95 (>=0.6, sensitivity 0.68 and specificity 0.92); 3Cnet: 0.99 (> 0.75, sensitivity 0.96 and precision 0.92)]. A different missense change at the same codon (p.Met153Val) has been reported to be associated with PDHA1-related disorder (PMID: 19517265). However the evidence of pathogenicity is insufficient at this time. Therefore, this variant is classified as VUS according to the recommendation of ACMG/AMP guideline.

Literature cited by the submitters: PubMed 19517265.